The following is an entry in ClinVar:

NM_001079802.2(FKTN):c.373G>A (p.Gly125Ser)

Gene: FKTN (fukutin; plus strand). Cytogenetic location: 9q31.2.
Variant type: single nucleotide variant.
Coding change: c.373G>A on transcript NM_001079802.2 (MANE Select); coding-DNA position 373, G replaced by A.
Protein change: p.Gly125Ser; replaces glycine 125 with serine.
Molecular consequence: missense variant. On other transcripts: 5 prime UTR variant (4), non-coding transcript variant (2).
Genome position (GRCh38, 1-based): chr9:105,604,218, G>A. VCF-style: chr9-105604218-G-A. GRCh37 (hg19) VCF-style: chr9-108366499-G-A.
Other names: p.G125S:GGC>AGC; c.373G>A, p.Gly125Ser (NM_001198963.2, NM_001351496.2, NM_001351498.2 and 1 more transcripts); c.304G>A, p.Gly102Ser (NM_001351497.2); c.-24G>A (NM_001351499.2, NM_001351500.2, NM_001351501.2 and 1 more transcripts); short protein forms G125S, G102S.
Identifiers: ClinVar variation 3211 (VCV000003211.51), dbSNP rs34006675, ClinGen allele CA252623.

ClinVar aggregate classification (germline): Benign/Likely benign. Review status: criteria provided, multiple submitters, no conflicts (2 of 4 stars). 16 submissions from 16 submitters: Benign (9); Likely benign (2). 5 of the submissions do not count toward it. Last evaluated 2026-02-04.

Conditions:
Walker-Warburg congenital muscular dystrophy. Also called: Muscular dystrophy-dystroglycanopathy, type A; Walker-Warburg syndrome. Identifiers: Orphanet 899, MedGen C0265221, MONDO:0000171.
Cardiovascular phenotype. Identifiers: MedGen CN230736.
Muscular dystrophy-dystroglycanopathy (congenital with brain and eye anomalies), type A, 4 (MDDGA4). Also called: Muscular dystrophy, congenital progressive, with mental retardation; Muscular dystrophy, congenital, with central nervous system involvement; Cerebromuscular dystrophy, Fukuyama type; WALKER-WARBURG SYNDROME OR MUSCLE-EYE-BRAIN DISEASE, FKTN-RELATED; Fukuyama congenital muscular dystrophy; Congenital muscular dystrophy-dystroglycanopathy with brain and eye anomalies, type A4. Identifiers: Orphanet 272, Orphanet 588, Orphanet 899, MedGen C0410174, MONDO:0009678, OMIM 253800.

Allele frequency attached by ClinVar (database versions not stated): gnomAD 0.03177 and 0.03359; 1000 Genomes Project 30x 0.03904; gnomAD exomes 0.01382 and 0.01157; TOPMed 0.03479; ExAC 0.01532; 1000 Genomes Project 0.03714.
gnomAD v4.1: 21,863 of 1,612,204 alleles (1.4%); highest among the groups gnomAD compares: African/African-American, 9%; 389 homozygotes.

Submissions (16):

Labcorp Genetics (formerly Invitae), Labcorp
Classification: Benign for Walker-Warburg congenital muscular dystrophy. Last evaluated: 2026-02-04. Review status: criteria provided, single submitter. Criteria: Invitae Variant Classification Sherloc (09022015). Collection method: clinical testing. Allele origin: germline.

ARUP Laboratories, Molecular Genetics and Genomics, ARUP Laboratories
Classification: Benign. Last evaluated: 2025-07-10. Review status: criteria provided, single submitter. Criteria: ARUP Molecular Germline Variant Investigation Process 2024. Collection method: clinical testing. Allele origin: germline.

Molecular Diagnostic Laboratory for Inherited Cardiovascular Disease, Montreal Heart Institute
Classification: Benign. Last evaluated: 2025-04-09. Review status: criteria provided, single submitter. Criteria: ACMG Guidelines, 2015. Collection method: clinical testing. Allele origin: germline. Affected: no.

Mayo Clinic Laboratories, Mayo Clinic
Classification: Benign. Last evaluated: 2023-04-25. Review status: criteria provided, single submitter. Criteria: ACMG Guidelines, 2015. Collection method: clinical testing. Allele origin: germline. Observed: 108 variant alleles.
Comment: BA1

Illumina Laboratory Services, Illumina
Classification: Likely benign for Muscular dystrophy-dystroglycanopathy (congenital with brain and eye anomalies), type A, 4. Last evaluated: 2017-04-27. Review status: criteria provided, single submitter. Criteria: ICSL Variant Classification Criteria 13 December 2019. Collection method: clinical testing. Allele origin: germline.
Comment: This variant was observed as part of a predisposition screen in an ostensibly healthy population. A literature search was performed for the gene, cDNA change, and amino acid change (where applicable). Publications were found based on this search. The evidence from the literature, in combination with allele frequency data from public databases where available, was sufficient to determine this variant is unlikely to cause disease. Therefore, this variant is classified as likely benign.

Ambry Genetics
Classification: Benign for Cardiovascular phenotype. Last evaluated: 2015-05-27. Review status: criteria provided, single submitter. Criteria: Ambry Variant Classification Scheme 2023. Collection method: clinical testing. Allele origin: germline.

GeneDx
Classification: Benign. Last evaluated: 2013-10-31. Review status: criteria provided, single submitter. Criteria: GeneDx Variant Classification (06012015). Collection method: clinical testing. Allele origin: germline. Affected: yes.
Comment: This variant is considered likely benign or benign based on one or more of the following criteria: it is a conservative change, it occurs at a poorly conserved position in the protein, it is predicted to be benign by multiple in silico algorithms, and/or has population frequency not consistent with disease.

Genetic Services Laboratory, University of Chicago
Classification: Benign for AllHighlyPenetrant. Last evaluated: 2013-04-16. Review status: criteria provided, single submitter. Criteria: ACMG Guidelines, 2007. Collection method: clinical testing. Allele origin: germline. Inheritance: Autosomal recessive inheritance.

Eurofins Ntd Llc (ga)
Classification: Benign. Last evaluated: 2012-12-06. Review status: criteria provided, single submitter. Criteria: EGL Classification Definitions 2015. Collection method: clinical testing. Allele origin: germline. Observed: 3 variant alleles, 3 heterozygotes.

Breakthrough Genomics
Classification: Likely benign. Review status: criteria provided, single submitter. Criteria: ACMG Guidelines, 2015. Collection method: not provided. Allele origin: germline. Inheritance: Autosomal recessive inheritance. Affected: yes.

PreventionGenetics, part of Exact Sciences
Classification: Benign. Review status: criteria provided, single submitter. Criteria: ACMG Guidelines, 2015. Collection method: clinical testing. Allele origin: germline.

Natera, Inc.
Classification: Benign for Walker-Warburg congenital muscular dystrophy. Last evaluated: 2019-10-28. Review status: no assertion criteria provided. Collection method: clinical testing. Allele origin: germline. Not counted in ClinVar's aggregate classification.

OMIM
Classification: Uncertain significance for RECLASSIFIED - VARIANT OF UNKNOWN SIGNIFICANCE. Last evaluated: 2011-01-12. Review status: no assertion criteria provided. Collection method: literature only. Allele origin: germline. Not counted in ClinVar's aggregate classification.

Clinical Genetics DNA and cytogenetics Diagnostics Lab, Erasmus MC, Erasmus Medical Center
Classification: Benign. Review status: no assertion criteria provided. Collection method: clinical testing. Allele origin: germline. Affected: yes. Study: VKGL Data-share Consensus. Not counted in ClinVar's aggregate classification.

Genome Diagnostics Laboratory, University Medical Center Utrecht
Classification: Benign. Review status: no assertion criteria provided. Collection method: clinical testing. Allele origin: germline. Affected: yes. Study: VKGL Data-share Consensus. Not counted in ClinVar's aggregate classification.

Laboratory of Diagnostic Genome Analysis, Leiden University Medical Center (LUMC)
Classification: Likely benign. Review status: no assertion criteria provided. Collection method: clinical testing. Allele origin: germline. Affected: yes. Study: VKGL Data-share Consensus. Not counted in ClinVar's aggregate classification.

Literature cited by the submitters: PubMed 18177472 (cited by Illumina Laboratory Services, Illumina and OMIM); PubMed 21228398 (cited by OMIM).